The following is an entry in ClinVar:

ClinVar aggregate classification (germline): Pathogenic. Review status: criteria provided, multiple submitters, no conflicts (2 of 4 stars). 11 submissions from 11 submitters: Pathogenic (9). 2 of the submissions do not count toward it. Last evaluated 2025-12-03.

Conditions:
PDGFRB-related disorder. Also called: PDGFRB-related condition.
Acroosteolysis-keloid-like lesions-premature aging syndrome. Also called: Progeroid syndrome, Penttinen type; Premature aging syndrome, Penttinen type; Prematurely aged appearance, delayed bone maturation, acro-osteolysis, and brachydactyly. Identifiers: Orphanet 363665, MedGen C1866182, MONDO:0011150, OMIM 601812.
Basal ganglia calcification, idiopathic, 4 (PFBC4). Also called: PRIMARY FAMILIAL BRAIN CALCIFICATION 4, AUTOSOMAL DOMINANT; Familial Idiopathic Basal Ganglia Calcification 4. Identifiers: Orphanet 1980, MedGen C3554321, MONDO:0014004, OMIM 615007.
Skeletal overgrowth-craniofacial dysmorphism-hyperelastic skin-white matter lesions syndrome. Also called: SKELETAL OVERGROWTH WITH FACIAL DYSMORPHISM, HYPERELASTIC SKIN, WHITE MATTER LESIONS, AND NEUROLOGIC DETERIORATION; Kosaki overgrowth syndrome. Identifiers: Orphanet 477831, MedGen C4225270, MONDO:0014704, OMIM 616592.
Infantile myofibromatosis (IMF). Also called: Congenital generalized fibromatosis. Identifiers: Orphanet 2591, MedGen C0432284, MONDO:0016824.
Myofibromatosis, infantile, 1. Also called: Myofibromatosis, juvenile. Identifiers: Orphanet 2591, MedGen C4551572, MONDO:0009227, OMIM 228550.

Allele frequency attached by ClinVar (database versions not stated): gnomAD 0.00001; TOPMed 0.00001.
gnomAD v4.1: 1 of 1,613,818 alleles (0.000062%); highest among the groups gnomAD compares: Non-Finnish European, 0.000085%; no homozygotes.

Submissions (11):

Labcorp Genetics (formerly Invitae), Labcorp
Classification: Pathogenic for Basal ganglia calcification, idiopathic, 4; Skeletal overgrowth-craniofacial dysmorphism-hyperelastic skin-white matter lesions syndrome; Infantile myofibromatosis; Acroosteolysis-keloid-like lesions-premature aging syndrome. Last evaluated: 2025-12-03. Review status: criteria provided, single submitter. Criteria: Invitae Variant Classification Sherloc (09022015). Collection method: clinical testing. Allele origin: germline.
Comment: This sequence change replaces arginine, which is basic and polar, with cysteine, which is neutral and slightly polar, at codon 561 of the PDGFRB protein (p.Arg561Cys). This variant is not present in population databases (gnomAD no frequency). This missense change has been observed in individual(s) with infantile myofibromatosis (PMID: 23731537, 23731542, 28183292). In at least one individual the variant was observed to be de novo. It has also been observed to segregate with disease in related individuals. ClinVar contains an entry for this variant (Variation ID: 55848). Invitae Evidence Modeling of protein sequence and biophysical properties (such as structural, functional, and spatial information, amino acid conservation, physicochemical variation, residue mobility, and thermodynamic stability) has been performed for this missense variant. However, the output from this modeling did not meet the statistical confidence thresholds required to predict the impact of this variant on PDGFRB protein function. Experimental studies have shown that this missense change affects PDGFRB function (PMID: 26455322, 28334876). For these reasons, this variant has been classified as Pathogenic.

PreventionGenetics, part of Exact Sciences
Classification: Pathogenic for PDGFRB-related condition. Last evaluated: 2025-09-27. Review status: criteria provided, single submitter. Criteria: ACMG Guidelines, 2015. Collection method: clinical testing. Allele origin: germline.
Comment: The PDGFRB c.1681C>T variant is predicted to result in the amino acid substitution p.Arg561Cys. This variant has been repeatedly documented as causative for infantile myofibromatosis, and functional studies support its pathogenicity (Cheung et al. 2013. PubMed ID: 23731537; Arts et al. 2016. PubMed ID: 26455322). This variant has also been observed in two affected siblings and their unaffected mother, suggesting incomplete penetrance (Linhares et al. 2014. PubMed ID: 25158255). At PreventionGenetics, we have previously detected the c.1681C>T variant in several other patients with a diagnosis of infantile myofibromatosis (Internal Data). This variant has not been reported in a large population database, indicating this variant is rare. In ClinVar, this variant has been interpreted as pathogenic by multiple submitting laboratories (Variation ID:55848). Based on this evidence, this variant is interpreted as pathogenic.

Blueprint Genetics
Classification: Pathogenic for PDGFRB-related disorders. Last evaluated: 2024-06-26. Review status: criteria provided, single submitter. Criteria: ACMG Guidelines, 2015. Collection method: clinical testing. Allele origin: germline. Affected: yes. Observed: 5 variant alleles.

GeneDx
Classification: Pathogenic. Last evaluated: 2023-02-21. Review status: criteria provided, single submitter. Criteria: GeneDx Variant Classification Process June 2021. Collection method: clinical testing. Allele origin: germline. Affected: yes.
Comment: Published functional studies demonstrate a damaging effect (constitutive activation of the PDGFRB gene and sensitivity to tyrosine kinase inhibitors) (Arts et al., 2016); Not observed at significant frequency in large population cohorts (gnomAD); In silico analysis supports that this missense variant has a deleterious effect on protein structure/function; This variant is associated with the following publications: (PMID: 23731542, 28286173, 28334876, 23731537, 25158255, 26455322, 28496993, 28183292, 30103666, 31291054, 32500973)

Revvity Omics, Revvity
Classification: Pathogenic. Last evaluated: 2022-01-17. Review status: criteria provided, single submitter. Criteria: ACMG Guidelines, 2015. Collection method: clinical testing. Allele origin: germline.

SIB Swiss Institute of Bioinformatics
Classification: Pathogenic for Myofibromatosis, infantile, 1. Last evaluated: 2018-05-31. Review status: criteria provided, single submitter. Criteria: ACMG Guidelines, 2015. Collection method: curation. Allele origin: unknown.
Comment: This variant is interpreted as a Pathogenic, for Myofibromatosis, infantile, 1, in Autosomal Dominant manner. The following ACMG Tag(s) were applied: PP3 => Multiple lines of computational evidence support a deleterious effect on the gene or gene product. PM6 => Assumed de novo, but without confirmation of paternity and maternity (PMID:23731537). PP1-Strong => PP1 upgraded in strength to Strong (PMID:23731537) (PMID:23731542). PM2 => Absent from controls (or at extremely low frequency if recessive) in Exome Sequencing Project, 1000 Genomes Project, or Exome Aggregation Consortium. PS4-Moderate => Recurrent mutation found in multiple unrelated patients (PMID:23731537,23731542,28183292). PS3 => Well-established functional studies show a deleterious effect (PMID:26455322).

Demoulin lab, University of Louvain
Classification: Pathogenic for Infantile myofibromatosis. Last evaluated: 2016-12-01. Review status: criteria provided, single submitter. Criteria: Submitter's publication. Collection method: research, in vitro. Allele origin: somatic, not applicable. Inheritance: Sporadic. Affected: yes. Observed: 1 variant allele, 1 heterozygote.
Comment: The p.R561C mutant weakly activates PDGFRB signaling in cell culture (gain of function). We sequenced PDGFRB in myofibromatosis cases using the Ion Torrent technology. The percentage of mutated reads (47%) suggests a germline change but normal DNA was not available to confirm this hypothesis, in the absence of familial history. All variants were confirmed by an alternative method (allele specific PCR or Sanger sequencing). Mutants were functionally characterized in experiments based on cell transfection. The p.R561C mutation was associated with a second somatic hit, c.1998C>A (p.N666K), which leads to full receptor activation in vitro.

Centre for Mendelian Genomics, University Medical Centre Ljubljana
Classification: Pathogenic for Basal ganglia calcification, idiopathic, 4. Last evaluated: 2016-01-01. Review status: criteria provided, single submitter. Criteria: ACMG Guidelines, 2015. Collection method: clinical testing. Allele origin: unknown. Affected: yes.
Comment: This variant was classified as: Pathogenic. The following ACMG criteria were applied in classifying this variant: PS1,PS3,PM2,PP3,PP4.

Lupski Lab, Baylor-Hopkins CMG, Baylor College of Medicine
Classification: Pathogenic for Myofibromatosis, infantile, 1. Last evaluated: 2013-02-12. Review status: criteria provided, single submitter. Criteria: Cheung et al. (AJHG 2013). Collection method: research. Allele origin: germline. Inheritance: Autosomal dominant inheritance. Affected: yes. Observed: 11 variant alleles, 11 heterozygotes.
Comment: This variant has been found in all 11 individuals with familial infantile myofibromatosis studied.

OMIM
Classification: Pathogenic for MYOFIBROMATOSIS, INFANTILE, 1. Last evaluated: 2013-06-06. Review status: no assertion criteria provided. Collection method: literature only. Allele origin: germline. Not counted in ClinVar's aggregate classification.

Center for Applied Genomics, Children's Hospital of Philadelphia
No classification provided. Condition: Infantile myofibromatosis 1. Review status: no classification provided. Collection method: not provided. Allele origin: germline. Not counted in ClinVar's aggregate classification.

Literature cited by the submitters: PubMed 23731537 (cited by 3 submitters); PubMed 23731542 (cited by 3 submitters); PubMed 28183292 (cited by Labcorp Genetics (formerly Invitae), Labcorp and SIB Swiss Institute of Bioinformatics); PubMed 26455322 (cited by Labcorp Genetics (formerly Invitae), Labcorp and SIB Swiss Institute of Bioinformatics); PubMed 28334876 (cited by Labcorp Genetics (formerly Invitae), Labcorp and Demoulin lab, University of Louvain).

NM_002609.4(PDGFRB):c.1681C>T (p.Arg561Cys)

Gene: PDGFRB (platelet derived growth factor receptor beta; minus strand). Cytogenetic location: 5q32.
Variant type: single nucleotide variant.
Coding change: c.1681C>T on transcript NM_002609.4 (MANE Select); coding-DNA position 1681, C replaced by T.
Protein change: p.Arg561Cys; replaces arginine 561 with cysteine.
Molecular consequence: missense variant.
Genome position (GRCh38, 1-based): chr5:150,125,571, G>A on the plus strand (C>T on the coding strand, the complement: PDGFRB is on the minus strand). VCF-style: chr5-150125571-G-A. GRCh37 (hg19) VCF-style: chr5-149505134-G-A.
Other names: NM_002609.3(PDGFRB):c.1681C>T(p.Arg561Cys); c.1489C>T, p.Arg497Cys (NM_001355016.2); c.1198C>T, p.Arg400Cys (NM_001355017.2); short protein forms R561C, R497C, R400C.
Identifiers: ClinVar variation 55848 (VCV000055848.21), dbSNP rs367543286, ClinGen allele CA328075.